The following is an entry in ClinVar:

ClinVar aggregate classification (germline): Uncertain significance. Review status: criteria provided, multiple submitters, no conflicts (2 of 4 stars). 2 submissions from 2 submitters: Uncertain significance (2). Last evaluated 2025-12-23.

Conditions:
Hereditary nonpolyposis colorectal neoplasms. Identifiers: MedGen C0009405, MeSH D003123.
Hereditary cancer-predisposing syndrome. Also called: Neoplastic Syndromes, Hereditary; Tumor predisposition; Hereditary Cancer Syndrome; Hereditary neoplastic syndrome. Identifiers: Orphanet 140162, MedGen C0027672, MeSH D009386, MONDO:0015356.

gnomAD v4.1: 1 of 1,614,200 alleles (0.000062%); highest among the groups gnomAD compares: South Asian, 0.0011%; no homozygotes.

Submissions (2):

Labcorp Genetics (formerly Invitae), Labcorp
Classification: Uncertain significance for Hereditary nonpolyposis colorectal neoplasms. Last evaluated: 2025-12-23. Review status: criteria provided, single submitter. Criteria: Invitae Variant Classification Sherloc (09022015). Collection method: clinical testing. Allele origin: germline.
Comment: This sequence change replaces serine, which is neutral and polar, with arginine, which is basic and polar, at codon 525 of the MSH6 protein (p.Ser525Arg). This variant is not present in population databases (gnomAD no frequency). This variant has not been reported in the literature in individuals affected with MSH6-related conditions. ClinVar contains an entry for this variant (Variation ID: 1775540). Invitae Evidence Modeling of protein sequence and biophysical properties (such as structural, functional, and spatial information, amino acid conservation, physicochemical variation, residue mobility, and thermodynamic stability) indicates that this missense variant is not expected to disrupt MSH6 protein function with a negative predictive value of 95%. In summary, the available evidence is currently insufficient to determine the role of this variant in disease. Therefore, it has been classified as a Variant of Uncertain Significance.

Ambry Genetics
Classification: Uncertain significance for Hereditary cancer-predisposing syndrome. Last evaluated: 2017-09-27. Review status: criteria provided, single submitter. Criteria: Ambry Variant Classification Scheme 2023. Collection method: clinical testing. Allele origin: germline.
Comment: The p.S525R variant (also known as c.1573A>C), located in coding exon 4 of the MSH6 gene, results from an A to C substitution at nucleotide position 1573. The serine at codon 525 is replaced by arginine, an amino acid with dissimilar properties. This amino acid position is highly conserved in available vertebrate species. In addition, this alteration is predicted to be deleterious by in silico analysis. In addition, the CoDP in silico tool predicts this alteration is likely to impair molecular function, with a score of 0.984 (Terui H et al. J. Biomed. Sci. 2013 Apr;20:25). Since supporting evidence is limited at this time, the clinical significance of this alteration remains unclear.

NM_000179.3(MSH6):c.1573A>C (p.Ser525Arg)

Gene: MSH6 (mutS homolog 6; plus strand). Cytogenetic location: 2p16.3.
Variant type: single nucleotide variant.
Coding change: c.1573A>C on transcript NM_000179.3 (MANE Select); coding-DNA position 1573, A replaced by C.
Protein change: p.Ser525Arg; replaces serine 525 with arginine.
Molecular consequence: missense variant.
Genome position (GRCh38, 1-based): chr2:47,799,556, A>C. VCF-style: chr2-47799556-A-C. GRCh37 (hg19) VCF-style: chr2-48026695-A-C.
Other names: c.1183A>C, p.Ser395Arg (NM_001281492.2); c.667A>C, p.Ser223Arg (NM_001281493.2, NM_001281494.2, NM_001406811.1 and 6 more transcripts); c.1669A>C, p.Ser557Arg (NM_001406795.1, NM_001406802.1); c.1573A>C, p.Ser525Arg (NM_001406796.1, NM_001406798.1, NM_001406800.1 and 4 more transcripts); c.1276A>C, p.Ser426Arg (NM_001406797.1, NM_001406801.1, NM_001406805.1 and 10 more transcripts); c.1048A>C, p.Ser350Arg (NM_001406799.1, NM_001406806.1, NM_001406807.1); c.1495A>C, p.Ser499Arg (NM_001406804.1); c.1579A>C, p.Ser527Arg (NM_001406813.1); and 1 more; short protein forms S395R, S223R, S350R, S527R, S426R, S469R, S499R, S525R.
Identifiers: ClinVar variation 1775540 (VCV001775540.3), dbSNP rs1572723488, ClinGen allele CA346746803.